The following is an entry in ClinVar:

ClinVar aggregate classification (germline): Uncertain significance (1 of 4 stars; one submission).

Conditions:
ADCY3-related disorder. Also called: ADCY3-related condition.

gnomAD v4.1: 5 of 1,613,282 alleles (0.00031%); highest among the groups gnomAD compares: African/African-American, 0.0067%; no homozygotes.

Submission:

PreventionGenetics, part of Exact Sciences
Classification: Uncertain significance for ADCY3-related condition. Last evaluated: 2026-01-21. Review status: criteria provided, single submitter. Criteria: ACMG Guidelines, 2015. Collection method: clinical testing. Allele origin: germline.
Comment: The ADCY3 c.3379G>T variant is predicted to result in the amino acid substitution p.Ala1127Ser. To our knowledge, this variant has not been reported in the literature. This variant is reported in 0.0062% of alleles in individuals of African descent in gnomAD. At this time, the clinical significance of this variant is uncertain due to the absence of conclusive functional and genetic evidence.

NM_004036.5(ADCY3):c.3376G>T (p.Ala1126Ser)

Genes: ADCY3 (adenylate cyclase 3; minus strand), CENPO (centromere protein O; plus strand). Cytogenetic location: 2p23.3.
Variant type: single nucleotide variant.
Coding change: c.3376G>T on transcript NM_004036.5 (MANE Select); coding-DNA position 3376, G replaced by T.
Protein change: p.Ala1126Ser; replaces alanine 1126 with serine.
Molecular consequence: missense variant. On other transcripts: 3 prime UTR variant (4), non-coding transcript variant (3).
Genome position (GRCh38, 1-based): chr2:24,819,991, C>A on the plus strand (G>T on the coding strand, the complement: ADCY3 is on the minus strand). VCF-style: chr2-24819991-C-A. GRCh37 (hg19) VCF-style: chr2-25042860-C-A.
Other names: c.3379G>T, p.Ala1127Ser (NM_001320613.2); c.3442G>T, p.Ala1148Ser (NM_001377128.1); c.3238G>T, p.Ala1080Ser (NM_001377129.1); c.*117G>T (NM_001377130.1); c.2653G>T, p.Ala885Ser (NM_001377131.1); c.3376G>T, p.Ala1126Ser (NM_001377132.1); c.*673C>A (NM_001199803.3, NM_001322101.2, NM_024322.4); short protein forms A1126S, A885S, A1127S, A1148S, A1080S.
Identifiers: ClinVar variation 4988880 (VCV004988880.1).